The following is an entry in ClinVar:

ClinVar aggregate classification (germline): Pathogenic (1 of 4 stars; one submission).

Conditions:
Fabry disease. Also called: Fabry's disease; GLA DEFICIENCY; HEREDITARY DYSTOPIC LIPIDOSIS; Ceramide trihexosidosis; Angiokeratoma corporis diffusum; ALPHA-GALACTOSIDASE A DEFICIENCY. Identifiers: Orphanet 324, MedGen C0002986, MONDO:0010526, OMIM 301500, HP:0001071. Disease mechanism: Fabry disease is due to inactivating mutations in the X-linked GLA gene resulting in deficiency of the enzyme Alpha Galactosidase-A., loss of function.

Submission:

Serv. Biochemistry and Molecular genetics, Hospital Clinic de Barcelona, Hospital Clínic de Barcelona
Classification: Pathogenic for Fabry disease. Last evaluated: 2026-05-21. Review status: criteria provided, single submitter. Criteria: ACMG Guidelines, 2015. Collection method: clinical testing. Allele origin: germline. Inheritance: X-linked inheritance. Affected: yes. Observed: 2 variant alleles.
Comment: Classification reported in the manuscript using ACMG criteria/in silico tools: Pathogenic. Variant type: Deletion; amino acid change: p.Pro214_Asn272del.

NM_000169.3(GLA):c.640-620_815del

Genes: GLA (galactosidase alpha; minus strand), RPL36A-HNRNPH2 (RPL36A-HNRNPH2 readthrough; plus strand). Cytogenetic location: Xq22.1.
Variant type: Deletion.
Coding change: c.640-620_815del on transcript NM_000169.3 (MANE Select); 620 bases into the intron before coding-DNA position 640 through coding-DNA position 815, 1,013 bases deleted.
Molecular consequence: splice acceptor variant, splice donor variant. On other transcripts: intron variant (2).
Genome position (GRCh38, 1-based): chrX:101,398,554-101,399,566, 1,013 bases deleted. GRCh37 (hg19): chrX:100,653,542-100,654,554.
Other names: c.300+3097_300+4109del (NM_001199973.2); c.177+6732_177+7744del (NM_001199974.2); c.763-620_938del (NM_001406747.1); c.640-620_815del (NM_001406748.1).
Identifiers: ClinVar variation 4856606 (VCV004856606.1).